The following is an entry in ClinVar:

ClinVar aggregate classification (germline): Uncertain significance (1 of 4 stars; one submission).

gnomAD v4.1: 49 of 1,613,022 alleles (0.003%); highest among the groups gnomAD compares: Non-Finnish European, 0.0036%; no homozygotes.

Submission:

GeneDx
Classification: Uncertain significance. Last evaluated: 2026-04-02. Review status: criteria provided, single submitter. Criteria: GeneDx Variant Classification Process June 2021. Collection method: clinical testing. Allele origin: germline.
Comment: Not observed at significant frequency in large population cohorts (gnomAD); In silico analysis suggests that this missense variant does not alter protein structure/function; Has not been previously published as pathogenic or benign to our knowledge

NM_001042545.2(LTBP4):c.1454A>G (p.Asn485Ser)

Gene: LTBP4 (latent transforming growth factor beta binding protein 4; plus strand). Cytogenetic location: 19q13.2.
Variant type: single nucleotide variant.
Coding change: c.1454A>G on transcript NM_001042545.2 (MANE Select); coding-DNA position 1454, A replaced by G.
Protein change: p.Asn485Ser; replaces asparagine 485 with serine.
Molecular consequence: missense variant.
Genome position (GRCh38, 1-based): chr19:40,609,557, A>G. VCF-style: chr19-40609557-A-G. GRCh37 (hg19) VCF-style: chr19-41115463-A-G.
Other names: c.1655A>G, p.Asn552Ser (NM_001042544.1); c.1544A>G, p.Asn515Ser (NM_003573.2); short protein forms N485S, N515S, N552S.
Identifiers: ClinVar variation 5018461 (VCV005018461.1).